The following is an entry in ClinVar:

ClinVar aggregate classification (germline): Pathogenic/Likely pathogenic. Review status: criteria provided, multiple submitters, no conflicts (2 of 4 stars). 2 submissions from 2 submitters: Pathogenic (1); Likely pathogenic (1). Last evaluated 2026-08-06.

Conditions:
Neurodevelopmental disorder with speech impairment and dysmorphic facies. Identifiers: MedGen C5436699, MONDO:0033630, OMIM 619056.

Allele frequency attached by ClinVar (database versions not stated): gnomAD exomes below 0.00001.
gnomAD v4.1: 2 of 1,605,996 alleles (0.00012%); highest among the groups gnomAD compares: Non-Finnish European, 0.00017%; no homozygotes.

Submissions (2):

Institute of Human Genetics, University of Leipzig Medical Center
Classification: Likely pathogenic for Neurodevelopmental disorder with speech impairment and dysmorphic facies. Last evaluated: 2026-08-06. Review status: criteria provided, single submitter. Criteria: ACMG Guidelines, 2015. Collection method: clinical testing. Allele origin: unknown. Inheritance: Autosomal dominant inheritance. Affected: yes.
Comment: Criteria applied: PVS1,PS2_SUP

Genomics, Genetics and Epigenetics Laboratory, Medical College of Wisconsin
Classification: Pathogenic for Neurodevelopmental disorder with speech impairment and dysmorphic facies. Last evaluated: 2023-01-13. Review status: criteria provided, single submitter. Criteria: ACMG Guidelines, 2015. Collection method: research. Allele origin: de novo. Affected: yes.

Literature cited by the submitters: PubMed 36672956 (cited by Genomics, Genetics and Epigenetics Laboratory, Medical College of Wisconsin).

NM_014712.3(SETD1A):c.526C>T (p.Arg176Ter)

Gene: SETD1A (SET domain containing 1A, histone lysine methyltransferase; plus strand). Cytogenetic location: 16p11.2.
Variant type: single nucleotide variant.
Coding change: c.526C>T on transcript NM_014712.3 (MANE Select); coding-DNA position 526, C replaced by T.
Protein change: p.Arg176Ter; replaces arginine 176 with a stop codon.
Molecular consequence: nonsense.
Genome position (GRCh38, 1-based): chr16:30,963,441, C>T. VCF-style: chr16-30963441-C-T. GRCh37 (hg19) VCF-style: chr16-30974762-C-T.
Other names: short protein forms R176*.
Identifiers: ClinVar variation 1878499 (VCV001878499.4), dbSNP rs2543847896, ClinGen allele CA395649142.